The following is an entry in ClinVar:

NM_003737.4(DCHS1):c.4833A>T (p.Gln1611His)

Gene: DCHS1 (dachsous cadherin-related 1; minus strand). Cytogenetic location: 11p15.4.
Variant type: single nucleotide variant.
Coding change: c.4833A>T on transcript NM_003737.4 (MANE Select); coding-DNA position 4833, A replaced by T.
Protein change: p.Gln1611His; replaces glutamine 1611 with histidine.
Molecular consequence: missense variant.
Genome position (GRCh38, 1-based): chr11:6,629,874, T>A on the plus strand (A>T on the coding strand, the complement: DCHS1 is on the minus strand). VCF-style: chr11-6629874-T-A. GRCh37 (hg19) VCF-style: chr11-6651105-T-A.
Other names: short protein forms Q1611H.
Identifiers: ClinVar variation 2797120 (VCV002797120.3), dbSNP rs201414753, ClinGen allele CA5860252.

ClinVar aggregate classification (germline): Uncertain significance (1 of 4 stars; one submission).

Allele frequency attached by ClinVar (database versions not stated): gnomAD 0.00003; 1000 Genomes Project 30x 0.00031; 1000 Genomes Project 0.00040.
gnomAD v4.1: 10 of 1,612,868 alleles (0.00062%); highest among the groups gnomAD compares: East Asian, 0.02%; no homozygotes.

Submission:

Labcorp Genetics (formerly Invitae), Labcorp
Classification: Uncertain significance. Last evaluated: 2023-02-21. Review status: criteria provided, single submitter. Criteria: Invitae Variant Classification Sherloc (09022015). Collection method: clinical testing. Allele origin: germline.
Comment: This sequence change replaces glutamine, which is neutral and polar, with histidine, which is basic and polar, at codon 1611 of the DCHS1 protein (p.Gln1611His). This variant is present in population databases (rs201414753, gnomAD 0.04%). This variant has not been reported in the literature in individuals affected with DCHS1-related conditions. Advanced modeling of protein sequence and biophysical properties (such as structural, functional, and spatial information, amino acid conservation, physicochemical variation, residue mobility, and thermodynamic stability) performed at Invitae indicates that this missense variant is not expected to disrupt DCHS1 protein function. In summary, the available evidence is currently insufficient to determine the role of this variant in disease. Therefore, it has been classified as a Variant of Uncertain Significance.